The following is an entry in ClinVar:

NM_002334.4(LRP4):c.1280G>A (p.Arg427Gln)

Gene: LRP4 (LDL receptor related protein 4; minus strand). Cytogenetic location: 11p11.2.
Variant type: single nucleotide variant.
Coding change: c.1280G>A on transcript NM_002334.4 (MANE Select); coding-DNA position 1280, G replaced by A.
Protein change: p.Arg427Gln; replaces arginine 427 with glutamine.
Molecular consequence: missense variant.
Genome position (GRCh38, 1-based): chr11:46,895,195, C>T on the plus strand (G>A on the coding strand, the complement: LRP4 is on the minus strand). VCF-style: chr11-46895195-C-T. GRCh37 (hg19) VCF-style: chr11-46916746-C-T.
Other names: short protein forms R427Q.
Identifiers: ClinVar variation 1387759 (VCV001387759.9), dbSNP rs569764064, ClinGen allele CA5970207.
Genomic context (GRCh38, chr11:46,895,195, plus strand): 5'-GCCCACCCAGCCAAGTGCCAACAGCCCTTACCCAGAGCCTTGCAGCTGCGCCGGTCGGGC[C>T]GTAGTTCATAGCCTGTTTCACACCAGCATTGGAAAGCCCCTTCGCTGTTGGTGCAGCCCT-3'
Protein context (NP_002325.2, residues 417-437): QCWCETGYEL[Arg427Gln]PDRRSCKALG

ClinVar aggregate classification (germline): Uncertain significance. Review status: criteria provided, multiple submitters, no conflicts (2 of 4 stars). 3 submissions from 3 submitters: Uncertain significance (3). Last evaluated 2024-04-24.

Conditions:
Sclerosteosis 2 (SOST2). Identifiers: Orphanet 3152, MedGen C3280402, MONDO:0013679, OMIM 614305.
Congenital myasthenic syndrome 17. Identifiers: Orphanet 590, MedGen C4225377, MONDO:0014578, OMIM 616304.
Cenani-Lenz syndactyly syndrome. Also called: SYNDACTYLY, TYPE VII; CENANI SYNDACTYLISM. Identifiers: Orphanet 3258, MedGen C1859309, MONDO:0008931, OMIM 212780.

Allele frequency attached by ClinVar (database versions not stated): gnomAD exomes below 0.00001; ExAC 0.00001; gnomAD 0.00001; 1000 Genomes Project 30x 0.00016; 1000 Genomes Project 0.00020.
gnomAD v4.1: 5 of 1,614,086 alleles (0.00031%); highest among the groups gnomAD compares: East Asian, 0.0022%; no homozygotes.

Submissions (3):

Fulgent Genetics
Classification: Uncertain significance for Cenani-Lenz syndactyly syndrome; Sclerosteosis 2; Congenital myasthenic syndrome 17. Last evaluated: 2024-04-24. Review status: criteria provided, single submitter. Criteria: ACMG Guidelines, 2015. Collection method: clinical testing. Allele origin: germline.

Women's Health and Genetics/Laboratory Corporation of America, LabCorp
Classification: Uncertain significance. Last evaluated: 2023-10-17. Review status: criteria provided, single submitter. Criteria: LabCorp Variant Classification Summary - May 2015. Collection method: clinical testing. Allele origin: germline.
Comment: Variant summary: LRP4 c.1280G>A (p.Arg427Gln) results in a conservative amino acid change located in the EGF-like domain (IPR000742) of the encoded protein sequence. Three of five in-silico tools predict a benign effect of the variant on protein function. The variant allele was found at a frequency of 4e-06 in 251356 control chromosomes (gnomAD). The available data on variant occurrences in the general population are insufficient to allow any conclusion about variant significance. To our knowledge, no occurrence of c.1280G>A in individuals affected with LRP4-Related Disorders and no experimental evidence demonstrating its impact on protein function have been reported. One submitter has cited a clinical-significance assessment for this variant to ClinVar after 2014 and has classified the variant as uncertain significance. Based on the evidence outlined above, the variant was classified as uncertain significance.

Labcorp Genetics (formerly Invitae), Labcorp
Classification: Uncertain significance for Cenani-Lenz syndactyly syndrome; Sclerosteosis 2; Congenital myasthenic syndrome 17. Last evaluated: 2020-11-04. Review status: criteria provided, single submitter. Criteria: Invitae Variant Classification Sherloc (09022015). Collection method: clinical testing. Allele origin: germline.
Comment: In summary, the available evidence is currently insufficient to determine the role of this variant in disease. Therefore, it has been classified as a Variant of Uncertain Significance. Algorithms developed to predict the effect of missense changes on protein structure and function are either unavailable or do not agree on the potential impact of this missense change (SIFT: "Deleterious"; PolyPhen-2: "Possibly Damaging"; Align-GVGD: "Class C0"). This variant has not been reported in the literature in individuals with LRP4-related conditions. This variant is present in population databases (rs569764064, ExAC 0.006%). This sequence change replaces arginine with glutamine at codon 427 of the LRP4 protein (p.Arg427Gln). The arginine residue is highly conserved and there is a small physicochemical difference between arginine and glutamine.